The following is an entry in ClinVar:

NM_006312.6(NCOR2):c.313A>G (p.Ser105Gly)

Gene: NCOR2 (nuclear receptor corepressor 2; minus strand). Cytogenetic location: 12q24.31.
Variant type: single nucleotide variant.
Coding change: c.313A>G on transcript NM_006312.6 (MANE Select); coding-DNA position 313, A replaced by G.
Protein change: p.Ser105Gly; replaces serine 105 with glycine.
Molecular consequence: missense variant.
Genome position (GRCh38, 1-based): chr12:124,483,694, T>C on the plus strand (A>G on the coding strand, the complement: NCOR2 is on the minus strand). VCF-style: chr12-124483694-T-C. GRCh37 (hg19) VCF-style: chr12-124968240-T-C.
Other names: NC_000012.11:g.124968240T>C; c.313A>G, p.Ser105Gly (NM_001077261.4, NM_001206654.2); short protein forms S105G.
Identifiers: ClinVar variation 3038066 (VCV003038066.3), dbSNP rs183845640, ClinGen allele CA6869964.

ClinVar aggregate classification (germline): Benign (0 of 4 stars; one submission).

Conditions:
NCOR2-related disorder. Also called: NCOR2-related condition.

Allele frequency attached by ClinVar (database versions not stated): gnomAD exomes 0.00026; gnomAD 0.00042; TOPMed 0.00060; ExAC 0.00113; 1000 Genomes Project 30x 0.00297; 1000 Genomes Project 0.00300.
gnomAD v4.1: 466 of 1,612,170 alleles (0.029%); highest among the groups gnomAD compares: East Asian, 0.9%; 1 homozygote.

Submissions (2):

PreventionGenetics, part of Exact Sciences
Classification: Benign for NCOR2-related condition. Last evaluated: 2019-06-26. Review status: no assertion criteria provided. Collection method: clinical testing. Allele origin: germline.
Comment: This variant is classified as benign based on ACMG/AMP sequence variant interpretation guidelines (Richards et al. 2015 PMID: 25741868, with internal and published modifications).

Dr. Peter K. Rogan Lab, Western University
No classification provided (evidence only). Condition: Malignant tumor of esophagus. Review status: no classification provided. Collection method: in vitro. Allele origin: not applicable. Functional consequence: retained intron. Not counted in ClinVar's aggregate classification.